The following is an entry in ClinVar:

NM_000257.4(MYH7):c.1139-11T>C

Gene: MYH7 (myosin heavy chain 7; minus strand). Cytogenetic location: 14q11.2.
Variant type: single nucleotide variant.
Coding change: c.1139-11T>C on transcript NM_000257.4 (MANE Select); 11 bases into the intron before coding-DNA position 1139, T replaced by C.
Molecular consequence: intron variant.
Genome position (GRCh38, 1-based): chr14:23,429,358, A>G on the plus strand (T>C on the coding strand, the complement: MYH7 is on the minus strand). VCF-style: chr14-23429358-A-G. GRCh37 (hg19) VCF-style: chr14-23898567-A-G.
Identifiers: ClinVar variation 2415728 (VCV002415728.7), dbSNP rs367562915, ClinGen allele CA257823675.

ClinVar aggregate classification (germline): Likely benign. Review status: criteria provided, multiple submitters, no conflicts (2 of 4 stars). 3 submissions from 3 submitters: Likely benign (3). Last evaluated 2026-01-19.

Conditions:
Cardiomyopathy (CMYO). Also called: Cardiomyopathies. Identifiers: Orphanet 167848, MedGen C0878544, MONDO:0004994, HP:0001638. Inheritance: Various modes of inheritance.
Hypertrophic cardiomyopathy. Also called: HYPERTROPHIC MYOCARDIOPATHY. Identifiers: Orphanet 217569, MedGen C0007194, MeSH D002312, MONDO:0005045, HP:0001639.

Allele frequency attached by ClinVar (database versions not stated): ESP Exome Variant Server 0.00008; gnomAD exomes 0.00001.
gnomAD v4.1: 4 of 1,611,350 alleles (0.00025%); highest among the groups gnomAD compares: Non-Finnish European, 0.00034%; no homozygotes.

Submissions (3):

Labcorp Genetics (formerly Invitae), Labcorp
Classification: Likely benign for Hypertrophic cardiomyopathy. Last evaluated: 2026-01-19. Review status: criteria provided, single submitter. Criteria: Invitae Variant Classification Sherloc (09022015). Collection method: clinical testing. Allele origin: germline.

All of Us Research Program, National Institutes of Health
Classification: Likely benign for Cardiomyopathy. Last evaluated: 2023-12-13. Review status: criteria provided, single submitter. Criteria: ACMG Guidelines, 2015. Collection method: clinical testing. Allele origin: germline. Inheritance: Autosomal dominant inheritance. Observed: 5 variant alleles, 5 heterozygotes.
Comment: This study involves interpretation of variants in research participants for the purpose of population health screening. Participant phenotype was not available at the time of variant classification. Additional details can be found in publication PMID: 35346344, PMCID: PMC8962531

Color Diagnostics, LLC DBA Color Health
Classification: Likely benign for Cardiomyopathy. Last evaluated: 2022-09-16. Review status: criteria provided, single submitter. Criteria: ACMG Guidelines, 2015. Collection method: clinical testing. Allele origin: germline.